The following is an entry in ClinVar:

NM_001079872.2(CUL4B):c.1445C>T (p.Ala482Val)

Gene: CUL4B (cullin 4B; minus strand). Cytogenetic location: Xq24.
Variant type: single nucleotide variant.
Coding change: c.1445C>T on transcript NM_001079872.2 (MANE Select); coding-DNA position 1445, C replaced by T.
Protein change: p.Ala482Val; replaces alanine 482 with valine.
Molecular consequence: missense variant.
Genome position (GRCh38, 1-based): chrX:120,540,561, G>A on the plus strand (C>T on the coding strand, the complement: CUL4B is on the minus strand). VCF-style: chrX-120540561-G-A. GRCh37 (hg19) VCF-style: chrX-119674416-G-A.
Other names: c.1460C>T, p.Ala487Val (NM_001330624.2); c.911C>T, p.Ala304Val (NM_001369145.1); c.1499C>T, p.Ala500Val (NM_003588.4); short protein forms A482V, A304V, A500V, A487V.
Identifiers: ClinVar variation 5035073 (VCV005035073.1).
Genomic context (GRCh38, chrX:120,540,561, plus strand): 5'-AGCAATTCTTGAACCATGGTTTTATCTTTTTCAGGATTAATTACAATAGTGCTGCCAAAT[G>A]CCTAAAACAAAAAATTACCACTTTTTACTGTAATCGAATTGTCTACAATGAAAACAATCC-3'
Protein context (NP_001073341.1, residues 472-492): LLQQWIEYIK[Ala482Val]FGSTIVINPE

ClinVar aggregate classification (germline): Uncertain significance (1 of 4 stars; one submission).

Conditions:
Inborn genetic diseases. Identifiers: MedGen C0950123, MeSH D030342.

gnomAD v4.1: 1 of 1,183,992 alleles (0.000084%); highest among the groups gnomAD compares: African/African-American, 0.0018%; no homozygotes.

Submission:

Ambry Genetics
Classification: Uncertain significance for Inborn genetic diseases. Last evaluated: 2026-06-17. Review status: criteria provided, single submitter. Criteria: Ambry Variant Classification Scheme 2023. Collection method: clinical testing. Allele origin: germline.
Comment: The c.1499C>T (p.A500V) alteration is located in exon 13 (coding exon 12) of the CUL4B gene. This alteration results from a C to T substitution at nucleotide position 1499, causing the alanine (A) at amino acid position 500 to be replaced by a valine (V). Based on data from gnomAD, the T allele has an overall frequency of 0.001% (1/175392) total alleles studied. The highest observed frequency was 0.004% (1/25721) of Latino alleles. Based on insufficient or conflicting evidence, the clinical significance of this alteration remains unclear.